The following is an entry in ClinVar:

NM_000334.4(SCN4A):c.3898CAG[1] (p.Gln1301del)

Genes: SCN4A (sodium voltage-gated channel alpha subunit 4; minus strand), GH-LCR (growth hormone locus control region; plus strand). Cytogenetic location: 17q23.3.
Variant type: Microsatellite.
Coding change: c.3898CAG[1] on transcript NM_000334.4 (MANE Select); one copy of the 3-base unit CAG starting at c.3898; the reference has two copies in a row; one copy, 3 bases deleted; also written c.3901_3903del.
Protein change: p.Gln1301del; deletes glutamine 1301.
Molecular consequence: inframe deletion.
Genome position (GRCh38, 1-based): chr17:63,944,682-63,944,684, CTG deleted on the plus strand (CAG on the coding strand, the reverse complement: SCN4A is on the minus strand); deleting any 3 consecutive bases within chr17:63,944,682-63,944,687 gives the same sequence; the position shown is the placement nearest the transcript's 3' end. VCF-style (leftmost placement, unchanged base first): chr17-63944681-TCTG-T. GRCh37 (hg19) VCF-style: chr17-62022041-TCTG-T.
Other names: c.3901_3903del (NM_000334.4); short protein forms Q1301del.
Identifiers: ClinVar variation 374486 (VCV000374486.46), dbSNP rs752135284, ClinGen allele CA8709118.

ClinVar aggregate classification (germline): Conflicting classifications of pathogenicity. Review status: criteria provided, conflicting classifications (1 of 4 stars). 3 submissions from 3 submitters: Likely pathogenic (2); Uncertain significance (1). Last evaluated 2025-08-01.

Conditions:
Hyperkalemic periodic paralysis. Also called: Gamstorp disease; Familial hyperkalemic periodic paralysis. Identifiers: Orphanet 682, MedGen C0238357, MONDO:0008224, OMIM 170500, HP:0007215.

Submissions (3):

GeneDx
Classification: Likely pathogenic. Last evaluated: 2025-08-01. Review status: criteria provided, single submitter. Criteria: GeneDx Variant Classification Process June 2021. Collection method: clinical testing. Allele origin: germline. Affected: yes.
Comment: In-frame deletion of 1 amino acids in a non-repeat region; In silico analysis supports a deleterious effect on protein structure/function; In silico analysis is inconclusive as to whether the variant alters gene splicing. In the absence of RNA/functional studies, the actual effect of this sequence change is unknown.; Not observed at significant frequency in large population cohorts (gnomAD); This variant is associated with the following publications: (PMID: 30821013, 26036855)

Labcorp Genetics (formerly Invitae), Labcorp
Classification: Uncertain significance for Hyperkalemic periodic paralysis. Last evaluated: 2023-07-18. Review status: criteria provided, single submitter. Criteria: Invitae Variant Classification Sherloc (09022015). Collection method: clinical testing. Allele origin: germline.
Comment: In summary, the available evidence is currently insufficient to determine the role of this variant in disease. Therefore, it has been classified as a Variant of Uncertain Significance. This variant has been observed in individual(s) with clinical features of a muscular condition (PMID: 26036855). This variant is present in population databases (rs752135284, gnomAD 0.001%). This variant, c.3901_3903del, results in the deletion of 1 amino acid(s) of the SCN4A protein (p.Gln1301del), but otherwise preserves the integrity of the reading frame.

CeGaT Center for Human Genetics Tuebingen
Classification: Likely pathogenic. Last evaluated: 2016-08-01. Review status: criteria provided, single submitter. Criteria: CeGaT Center For Human Genetics Tuebingen Variant Classification Criteria Version 2. Collection method: clinical testing. Allele origin: germline. Affected: yes. Observed: 1 variant allele.

Literature cited by the submitters: PubMed 26036855 (cited by Labcorp Genetics (formerly Invitae), Labcorp).